The following is an entry in ClinVar:

ClinVar aggregate classification (germline): Uncertain significance (1 of 4 stars; one submission).

gnomAD v4.1: 7 of 1,608,374 alleles (0.00044%); highest among the groups gnomAD compares: African/African-American, 0.0014%; no homozygotes.

Submission:

CeGaT Center for Human Genetics Tuebingen
Classification: Uncertain significance. Last evaluated: 2024-07-01. Review status: criteria provided, single submitter. Criteria: CeGaT Center For Human Genetics Tuebingen Variant Classification Criteria Version 2. Collection method: clinical testing. Allele origin: germline. Affected: yes. Observed: 1 variant allele.
Comment: SLC12A2: PM2, PVS1:Moderate

NM_001046.3(SLC12A2):c.3520C>T (p.Arg1174Ter)

Gene: SLC12A2 (solute carrier family 12 member 2; plus strand). Cytogenetic location: 5q23.3.
Variant type: single nucleotide variant.
Coding change: c.3520C>T on transcript NM_001046.3 (MANE Select); coding-DNA position 3520, C replaced by T.
Protein change: p.Arg1174Ter; replaces arginine 1174 with a stop codon.
Molecular consequence: nonsense. On other transcripts: non-coding transcript variant (1).
Genome position (GRCh38, 1-based): chr5:128,186,512, C>T. VCF-style: chr5-128186512-C-T. GRCh37 (hg19) VCF-style: chr5-127522204-C-T.
Other names: c.3472C>T, p.Arg1158Ter (NM_001256461.2); short protein forms R1158*, R1174*.
Identifiers: ClinVar variation 3257551 (VCV003257551.17).
Genomic context (GRCh38, chr5:128,186,512, plus strand): 5'-TTGCTCAGGGTTTTTTTTTTTTCTTTTTCTCTTTTTGATACCAGGAGTCTCCCAGTTGCA[C>T]GAAAAGGTGCTGTGTCTAGTGCTCTCTACATGGCATGGTTAGAAGCTCTATCTAAGGACC-3'